The following is an entry in ClinVar:

NM_213606.4(SLC16A12):c.305-9T>C

Gene: SLC16A12 (solute carrier family 16 member 12; minus strand). Cytogenetic location: 10q23.31.
Variant type: single nucleotide variant.
Coding change: c.305-9T>C on transcript NM_213606.4 (MANE Select); 9 bases into the intron before coding-DNA position 305, T replaced by C.
Molecular consequence: intron variant.
Genome position (GRCh38, 1-based): chr10:89,441,260, A>G on the plus strand (T>C on the coding strand, the complement: SLC16A12 is on the minus strand). VCF-style: chr10-89441260-A-G. GRCh37 (hg19) VCF-style: chr10-91201017-A-G.
Identifiers: ClinVar variation 931641 (VCV000931641.3), dbSNP rs749441853, ClinGen allele CA5595539.
Genomic context (GRCh38, chr10:89,441,260, plus strand): 5'-ATGATTCCCACTTGACAGGATAAATGGTTACTGACAACACTCCCAAGTGGAGCTTCAAAA[A>G]CAATAAGAAATAGGTTCAACAGAAAGGCCTTGAGGGCACTGTGAAAGGCTGTGATGTGGC-3'

ClinVar aggregate classification (germline): Uncertain significance (1 of 4 stars; one submission).

Conditions:
Juvenile cataract-microcornea-renal glucosuria syndrome. Also called: Cataract 47, juvenile, with microcornea; CATARACT 47; CATARACT, JUVENILE, WITH MICROCORNEA. Identifiers: Orphanet 247794, MedGen C4310806, MONDO:0012786, OMIM 612018.

Allele frequency attached by ClinVar (database versions not stated): ExAC 0.00001; gnomAD exomes 0.00001.
gnomAD v4.1: 13 of 1,614,004 alleles (0.00081%); highest among the groups gnomAD compares: Non-Finnish European, 0.0011%; no homozygotes.

Submission:

Centre for Mendelian Genomics, University Medical Centre Ljubljana
Classification: Uncertain significance for Juvenile cataract-microcornea-renal glucosuria syndrome. Last evaluated: 2020-01-07. Review status: criteria provided, single submitter. Criteria: ACMG Guidelines, 2015. Collection method: clinical testing. Allele origin: unknown. Affected: yes.
Comment: This variant was classified as: Uncertain significance. The available evidence on this variant's pathogenicity is insufficient or conflicting. The following ACMG criteria were applied in classifying this variant: PM2.